The following is an entry in ClinVar:

NM_001204.7(BMPR2):c.2132_2133del (p.Ile711fs)

Gene: BMPR2 (bone morphogenetic protein receptor type 2; plus strand). Cytogenetic location: 2q33.2.
Variant type: Deletion.
Coding change: c.2132_2133del on transcript NM_001204.7 (MANE Select); coding-DNA positions 2132 to 2133, 2 bases deleted (TA; older notation c.2132_2133delTA).
Protein change: p.Ile711fs; shifts the reading frame from isoleucine 711.
Molecular consequence: frameshift variant.
Genome position (GRCh38, 1-based): chr2:202,555,797-202,555,798, TA deleted; deleting any 2 consecutive bases within chr2:202,555,796-202,555,798 gives the same sequence; the c. name uses the placement nearest the transcript's 3' end. VCF-style (leftmost placement, unchanged base first): chr2-202555795-CAT-C. GRCh37 (hg19) VCF-style: chr2-203420518-CAT-C.
Other names: short protein forms I711fs.
Identifiers: ClinVar variation 2829415 (VCV002829415.3), dbSNP rs2468743038, ClinGen allele CA2739278039.

ClinVar aggregate classification (germline): Pathogenic (1 of 4 stars; one submission).

Conditions:
Primary pulmonary hypertension. Also called: Idiopathic pulmonary hypertension. Identifiers: MedGen C0152171.

Submission:

Labcorp Genetics (formerly Invitae), Labcorp
Classification: Pathogenic for Primary pulmonary hypertension. Last evaluated: 2023-10-09. Review status: criteria provided, single submitter. Criteria: Invitae Variant Classification Sherloc (09022015). Collection method: clinical testing. Allele origin: germline.
Comment: This sequence change creates a premature translational stop signal (p.Ile711Lysfs*25) in the BMPR2 gene. It is expected to result in an absent or disrupted protein product. Loss-of-function variants in BMPR2 are known to be pathogenic (PMID: 16429395). This variant is not present in population databases (gnomAD no frequency). This variant has not been reported in the literature in individuals affected with BMPR2-related conditions. For these reasons, this variant has been classified as Pathogenic.

Literature cited by the submitters: PubMed 16429395.